The following is an entry in ClinVar:

NM_001126108.2(SLC12A3):c.2374C>T (p.Pro792Ser)

Gene: SLC12A3 (solute carrier family 12 member 3; plus strand). Cytogenetic location: 16q13.
Variant type: single nucleotide variant.
Coding change: c.2374C>T on transcript NM_001126108.2 (MANE Select); coding-DNA position 2374, C replaced by T.
Protein change: p.Pro792Ser; replaces proline 792 with serine.
Molecular consequence: missense variant.
Genome position (GRCh38, 1-based): chr16:56,892,088, C>T. VCF-style: chr16-56892088-C-T. GRCh37 (hg19) VCF-style: chr16-56926000-C-T.
Other names: c.2374C>T, p.Pro792Ser (NM_000339.3); c.2371C>T, p.Pro791Ser (NM_001126107.2, NM_001410896.1); c.2374C>T (NM_000339.2); short protein forms P791S, P792S.
Identifiers: ClinVar variation 2184967 (VCV002184967.2), dbSNP rs1337065139, ClinGen allele CA395995425.

ClinVar aggregate classification (germline): Uncertain significance. Review status: criteria provided, multiple submitters, no conflicts (2 of 4 stars). 2 submissions from 2 submitters: Uncertain significance (2). Last evaluated 2025-05-26.

Conditions:
Inborn genetic diseases. Identifiers: MedGen C0950123, MeSH D030342.

Allele frequency attached by ClinVar (database versions not stated): gnomAD exomes 0.00001; TOPMed below 0.00001.

Submissions (2):

Ambry Genetics
Classification: Uncertain significance for Inborn genetic diseases. Last evaluated: 2025-05-26. Review status: criteria provided, single submitter. Criteria: Ambry Variant Classification Scheme 2023. Collection method: clinical testing. Allele origin: germline.

Labcorp Genetics (formerly Invitae), Labcorp
Classification: Uncertain significance. Last evaluated: 2022-08-23. Review status: criteria provided, single submitter. Criteria: Invitae Variant Classification Sherloc (09022015). Collection method: clinical testing. Allele origin: germline.
Comment: This sequence change replaces proline, which is neutral and non-polar, with serine, which is neutral and polar, at codon 792 of the SLC12A3 protein (p.Pro792Ser). This variant is present in population databases (no rsID available, gnomAD 0.003%). This variant has not been reported in the literature in individuals affected with SLC12A3-related conditions. Advanced modeling of protein sequence and biophysical properties (such as structural, functional, and spatial information, amino acid conservation, physicochemical variation, residue mobility, and thermodynamic stability) performed at Invitae indicates that this missense variant is not expected to disrupt SLC12A3 protein function. In summary, the available evidence is currently insufficient to determine the role of this variant in disease. Therefore, it has been classified as a Variant of Uncertain Significance.